The following is an entry in ClinVar:

ClinVar aggregate classification (germline): Uncertain significance. Review status: criteria provided, multiple submitters, no conflicts (2 of 4 stars). 3 submissions from 3 submitters: Uncertain significance (3). Last evaluated 2024-05-17.

Conditions:
Cardiomyopathy (CMYO). Also called: Cardiomyopathies. Identifiers: Orphanet 167848, MedGen C0878544, MONDO:0004994, HP:0001638. Inheritance: Various modes of inheritance.
Hypertrophic cardiomyopathy. Also called: HYPERTROPHIC MYOCARDIOPATHY. Identifiers: Orphanet 217569, MedGen C0007194, MeSH D002312, MONDO:0005045, HP:0001639.

Allele frequency attached by ClinVar (database versions not stated): TOPMed below 0.00001.

Submissions (3):

All of Us Research Program, National Institutes of Health
Classification: Uncertain significance for Cardiomyopathy. Last evaluated: 2024-05-17. Review status: criteria provided, single submitter. Criteria: ACMG Guidelines, 2015. Collection method: clinical testing. Allele origin: germline. Inheritance: Autosomal dominant inheritance. Observed: 2 variant alleles, 2 heterozygotes.
Comment: This missense variant replaces lysine with arginine at codon 860 of the MYH7 protein. Computational prediction suggests that this variant may not impact protein structure and function (internally defined REVEL score threshold <= 0.5, PMID: 27666373). To our knowledge, functional studies have not been reported for this variant. This variant has not been reported in individuals affected with MYH7-related disorders in the literature. This variant has not been identified in the general population by the Genome Aggregation Database (gnomAD). The available evidence is insufficient to determine the role of this variant in disease conclusively. Therefore, this variant is classified as a Variant of Uncertain Significance.

This study involves interpretation of variants in research participants for the purpose of population health screening. Participant phenotype was not available at the time of variant classification. Additional details can be found in publication PMID: 35346344, PMCID: PMC8962531

Color Diagnostics, LLC DBA Color Health
Classification: Uncertain significance for Cardiomyopathy. Last evaluated: 2024-03-06. Review status: criteria provided, single submitter. Criteria: ACMG Guidelines, 2015. Collection method: clinical testing. Allele origin: germline.
Comment: This missense variant replaces lysine with arginine at codon 860 of the MYH7 protein. Computational prediction suggests that this variant may not impact protein structure and function (internally defined REVEL score threshold <= 0.5, PMID: 27666373). To our knowledge, functional studies have not been reported for this variant. This variant has not been reported in individuals affected with MYH7-related disorders in the literature. This variant has not been identified in the general population by the Genome Aggregation Database (gnomAD). The available evidence is insufficient to determine the role of this variant in disease conclusively. Therefore, this variant is classified as a Variant of Uncertain Significance.

Labcorp Genetics (formerly Invitae), Labcorp
Classification: Uncertain significance for Hypertrophic cardiomyopathy. Last evaluated: 2022-11-11. Review status: criteria provided, single submitter. Criteria: Invitae Variant Classification Sherloc (09022015). Collection method: clinical testing. Allele origin: germline.
Comment: This variant has not been reported in the literature in individuals affected with MYH7-related conditions. This variant is not present in population databases (gnomAD no frequency). This sequence change replaces lysine, which is basic and polar, with arginine, which is basic and polar, at codon 860 of the MYH7 protein (p.Lys860Arg). In summary, the available evidence is currently insufficient to determine the role of this variant in disease. Therefore, it has been classified as a Variant of Uncertain Significance. Advanced modeling of protein sequence and biophysical properties (such as structural, functional, and spatial information, amino acid conservation, physicochemical variation, residue mobility, and thermodynamic stability) performed at Invitae indicates that this missense variant is expected to disrupt MYH7 protein function. ClinVar contains an entry for this variant (Variation ID: 1171804).

NM_000257.4(MYH7):c.2579A>G (p.Lys860Arg)

Genes: MYH7 (myosin heavy chain 7; minus strand), LOC126861898 (BRD4-independent group 4 enhancer GRCh37_chr14:23893609-23894808; plus strand). Cytogenetic location: 14q11.2.
Variant type: single nucleotide variant.
Coding change: c.2579A>G on transcript NM_000257.4 (MANE Select); coding-DNA position 2579, A replaced by G.
Protein change: p.Lys860Arg; replaces lysine 860 with arginine.
Molecular consequence: missense variant.
Genome position (GRCh38, 1-based): chr14:23,424,869, T>C on the plus strand (A>G on the coding strand, the complement: MYH7 is on the minus strand). VCF-style: chr14-23424869-T-C. GRCh37 (hg19) VCF-style: chr14-23894078-T-C.
Other names: short protein forms K860R.
Identifiers: ClinVar variation 1171804 (VCV001171804.9), dbSNP rs1892630499, ClinGen allele CA389048108.